The following is an entry in ClinVar:

NM_173630.4(RTTN):c.6209A>C (p.His2070Pro)

Gene: RTTN (rotatin; minus strand). Cytogenetic location: 18q22.2.
Variant type: single nucleotide variant.
Coding change: c.6209A>C on transcript NM_173630.4 (MANE Select); coding-DNA position 6209, A replaced by C.
Protein change: p.His2070Pro; replaces histidine 2070 with proline.
Molecular consequence: missense variant.
Genome position (GRCh38, 1-based): chr18:70,017,619, T>G on the plus strand (A>C on the coding strand, the complement: RTTN is on the minus strand). VCF-style: chr18-70017619-T-G. GRCh37 (hg19) VCF-style: chr18-67684855-T-G.
Other names: c.3473A>C, p.His1158Pro (NM_001318520.2); short protein forms H1158P, H2070P.
Identifiers: ClinVar variation 2164342 (VCV002164342.4), dbSNP rs764347798, ClinGen allele CA402683635.

ClinVar aggregate classification (germline): Uncertain significance (1 of 4 stars; one submission).

Submission:

Labcorp Genetics (formerly Invitae), Labcorp
Classification: Uncertain significance. Last evaluated: 2024-10-07. Review status: criteria provided, single submitter. Criteria: Invitae Variant Classification Sherloc (09022015). Collection method: clinical testing. Allele origin: germline.
Comment: This sequence change replaces histidine, which is basic and polar, with proline, which is neutral and non-polar, at codon 2070 of the RTTN protein (p.His2070Pro). This variant is present in population databases (no rsID available, gnomAD 0.006%). This variant has not been reported in the literature in individuals affected with RTTN-related conditions. ClinVar contains an entry for this variant (Variation ID: 2164342). Invitae Evidence Modeling of protein sequence and biophysical properties (such as structural, functional, and spatial information, amino acid conservation, physicochemical variation, residue mobility, and thermodynamic stability) indicates that this missense variant is not expected to disrupt RTTN protein function with a negative predictive value of 80%. In summary, the available evidence is currently insufficient to determine the role of this variant in disease. Therefore, it has been classified as a Variant of Uncertain Significance.